The following is an entry in ClinVar:

NM_001042492.3(NF1):c.4463C>G (p.Thr1488Arg)

Gene: NF1 (neurofibromin 1; plus strand). Cytogenetic location: 17q11.2.
Variant type: single nucleotide variant.
Coding change: c.4463C>G on transcript NM_001042492.3 (MANE Select); coding-DNA position 4463, C replaced by G.
Protein change: p.Thr1488Arg; replaces threonine 1488 with arginine.
Molecular consequence: missense variant.
Genome position (GRCh38, 1-based): chr17:31,260,401, C>G. VCF-style: chr17-31260401-C-G. GRCh37 (hg19) VCF-style: chr17-29587419-C-G.
Other names: c.4400C>G, p.Thr1467Arg (NM_000267.4); short protein forms T1467R, T1488R.
Identifiers: ClinVar variation 4800764 (VCV004800764.1).

ClinVar aggregate classification (germline): Uncertain significance (1 of 4 stars; one submission).

Conditions:
Neurofibromatosis, type 1 (NF1). Also called: VON RECKLINGHAUSEN DISEASE; Neurofibromatosis, type I; NEUROFIBROMATOSIS, TYPE I, SOMATIC; Peripheral type neurofibromatosis. Identifiers: Orphanet 636, MedGen C0027831, MONDO:0018975, OMIM 162200. Disease mechanism: loss of function.

Submission:

Labcorp Genetics (formerly Invitae), Labcorp
Classification: Uncertain significance for Neurofibromatosis, type 1. Last evaluated: 2025-09-25. Review status: criteria provided, single submitter. Criteria: Invitae Variant Classification Sherloc (09022015). Collection method: clinical testing. Allele origin: germline.
Comment: This sequence change replaces threonine, which is neutral and polar, with arginine, which is basic and polar, at codon 1467 of the NF1 protein (p.Thr1467Arg). This variant is not present in population databases (gnomAD no frequency). This variant has not been reported in the literature in individuals affected with NF1-related conditions. Invitae Evidence Modeling of protein sequence and biophysical properties (such as structural, functional, and spatial information, amino acid conservation, physicochemical variation, residue mobility, and thermodynamic stability) indicates that this missense variant is not expected to disrupt NF1 protein function with a negative predictive value of 95%. In summary, the available evidence is currently insufficient to determine the role of this variant in disease. Therefore, it has been classified as a Variant of Uncertain Significance.